The following is an entry in ClinVar:

NM_024675.4(PALB2):c.3412del (p.Ala1138fs)

Gene: PALB2 (partner and localizer of BRCA2; minus strand). Cytogenetic location: 16p12.2.
Variant type: Deletion.
Coding change: c.3412del on transcript NM_024675.4 (MANE Select); coding-DNA position 3412, one base deleted (G; older notation c.3412delG).
Protein change: p.Ala1138fs; shifts the reading frame from alanine 1138.
Molecular consequence: frameshift variant. On other transcripts: 3 prime UTR variant (5).
Genome position (GRCh38, 1-based): chr16:23,603,608, C deleted on the plus strand (G on the coding strand, the reverse complement: PALB2 is on the minus strand). VCF-style (leftmost placement, unchanged base first): chr16-23603607-GC-G. GRCh37 (hg19) VCF-style: chr16-23614928-GC-G.
Other names: c.3352del, p.Ala1118fs (NM_001407296.1); c.3340del, p.Ala1114fs (NM_001407297.1); c.3250del, p.Ala1084fs (NM_001407298.1); c.3175del, p.Ala1059fs (NM_001407299.1); c.3133del, p.Ala1045fs (NM_001407300.1); c.*47del (NM_001407301.1, NM_001407302.1, NM_001407310.1 and 2 more transcripts); c.2527del, p.Ala843fs (NM_001407304.1, NM_001407305.1, NM_001407306.1); c.2365del, p.Ala789fs (NM_001407307.1); and 3 more; short protein forms A1045fs, A1059fs, A1084fs, A1114fs, A1118fs, A1138fs, A316fs, A542fs.
Identifiers: ClinVar variation 2674185 (VCV002674185.1), dbSNP rs2506197198, ClinGen allele CA2695197581.

ClinVar aggregate classification (germline): Pathogenic (1 of 4 stars; one submission).

Conditions:
Familial cancer of breast. Also called: Hereditary breast cancer; BREAST CANCER, FAMILIAL; hereditary breast carcinoma. Identifiers: Orphanet 227535, MedGen C0346153, MONDO:0016419, OMIM 114480. Disease mechanism: loss of function.

Submission:

Myriad Genetics, Inc.
Classification: Pathogenic for Familial cancer of breast. Last evaluated: 2023-09-15. Review status: criteria provided, single submitter. Criteria: Myriad Autosomal Dominant, Autosomal Recessive and X-Linked Classification Criteria (2023). Collection method: clinical testing. Allele origin: unknown.
Comment: This variant is considered pathogenic. This variant creates a frameshift predicted to result in premature protein truncation.